The following is an entry in ClinVar:

ClinVar aggregate classification (germline): Uncertain significance (1 of 4 stars; one submission).

Conditions:
Arrhythmogenic right ventricular dysplasia 10. Also called: Arrhythmogenic Right Ventricular Dysplasia/Cardiomyopathy10; Arrhythmogenic right ventricular dysplasia/cardiomyopathy, type 10; ARRHYTHMOGENIC RIGHT VENTRICULAR DYSPLASIA, FAMILIAL, 10. Identifiers: MedGen C1857777, MONDO:0012434, OMIM 610193.

Allele frequency attached by ClinVar (database versions not stated): gnomAD exomes below 0.00001.
gnomAD v4.1: 2 of 1,614,206 alleles (0.00012%); highest among the groups gnomAD compares: South Asian, 0.0011%; no homozygotes.

Submission:

Labcorp Genetics (formerly Invitae), Labcorp
Classification: Uncertain significance for Arrhythmogenic right ventricular dysplasia 10. Last evaluated: 2023-05-22. Review status: criteria provided, single submitter. Criteria: Invitae Variant Classification Sherloc (09022015). Collection method: clinical testing. Allele origin: germline.
Comment: This sequence change replaces serine, which is neutral and polar, with cysteine, which is neutral and slightly polar, at codon 1103 of the DSG2 protein (p.Ser1103Cys). This variant is not present in population databases (gnomAD no frequency). This variant has not been reported in the literature in individuals affected with DSG2-related conditions. ClinVar contains an entry for this variant (Variation ID: 857462). Advanced modeling of protein sequence and biophysical properties (such as structural, functional, and spatial information, amino acid conservation, physicochemical variation, residue mobility, and thermodynamic stability) performed at Invitae indicates that this missense variant is not expected to disrupt DSG2 protein function. In summary, the available evidence is currently insufficient to determine the role of this variant in disease. Therefore, it has been classified as a Variant of Uncertain Significance.

NM_001943.5(DSG2):c.3308C>G (p.Ser1103Cys)

Genes: DSG2 (desmoglein 2; plus strand), DSG2-AS1 (DSG2 antisense RNA 1; minus strand). Cytogenetic location: 18q12.1.
Variant type: single nucleotide variant.
Coding change: c.3308C>G on transcript NM_001943.5 (MANE Select); coding-DNA position 3308, C replaced by G.
Protein change: p.Ser1103Cys; replaces serine 1103 with cysteine.
Molecular consequence: missense variant.
Genome position (GRCh38, 1-based): chr18:31,546,694, C>G. VCF-style: chr18-31546694-C-G. GRCh37 (hg19) VCF-style: chr18-29126657-C-G.
Other names: short protein forms S1103C.
Identifiers: ClinVar variation 857462 (VCV000857462.9), dbSNP rs2073314462, ClinGen allele CA402149365.